The following is an entry in ClinVar:

NM_058216.3(RAD51C):c.667G>A (p.Val223Ile)

Genes: RAD51C (RAD51 paralog C; plus strand), LOC129390903 (MPRA-validated peak2919 silencer; plus strand). Cytogenetic location: 17q22.
Variant type: single nucleotide variant.
Coding change: c.667G>A on transcript NM_058216.3 (MANE Select); coding-DNA position 667, G replaced by A.
Protein change: p.Val223Ile; replaces valine 223 with isoleucine.
Molecular consequence: missense variant. On other transcripts: non-coding transcript variant (1).
Genome position (GRCh38, 1-based): chr17:58,703,291, G>A. VCF-style: chr17-58703291-G-A. GRCh37 (hg19) VCF-style: chr17-56780652-G-A.
Other names: short protein forms V223I.
Identifiers: ClinVar variation 233081 (VCV000233081.15), dbSNP rs876660177, ClinGen allele CA10580745.

ClinVar aggregate classification (germline): Conflicting classifications of pathogenicity. Review status: criteria provided, conflicting classifications (1 of 4 stars). 2 submissions from 2 submitters: Uncertain significance (1); Benign (1). Last evaluated 2025-10-28.

Conditions:
Hereditary cancer-predisposing syndrome. Also called: Hereditary Cancer Syndrome; Neoplastic Syndromes, Hereditary; Tumor predisposition; Hereditary neoplastic syndrome. Identifiers: Orphanet 140162, MedGen C0027672, MeSH D009386, MONDO:0015356.
Fanconi anemia complementation group O. Also called: RAD51C-Related Fanconi Anemia. Identifiers: Orphanet 84, MedGen C3150653, MONDO:0013248, OMIM 613390.

Submissions (2):

Ambry Genetics
Classification: Benign for Hereditary cancer-predisposing syndrome. Last evaluated: 2025-10-28. Review status: criteria provided, single submitter. Criteria: Ambry Variant Classification Scheme 2023. Collection method: clinical testing. Allele origin: germline.

Labcorp Genetics (formerly Invitae), Labcorp
Classification: Uncertain significance for Fanconi anemia complementation group O. Last evaluated: 2018-05-17. Review status: criteria provided, single submitter. Criteria: Invitae Variant Classification Sherloc (09022015). Collection method: clinical testing. Allele origin: germline.
Comment: In summary, the available evidence is currently insufficient to determine the role of this variant in disease. Therefore, it has been classified as a Variant of Uncertain Significance. Algorithms developed to predict the effect of missense changes on protein structure and function output the following: SIFT: "Tolerated"; PolyPhen-2: "Benign"; Align-GVGD: "Class C0". The isoleucine amino acid residue is found in multiple mammalian species, suggesting that this missense change does not adversely affect protein function. These predictions have not been confirmed by published functional studies and their clinical significance is uncertain. This variant has not been reported in the literature in individuals with RAD51C-related disease. ClinVar contains an entry for this variant (Variation ID: 233081). This variant is not present in population databases (ExAC no frequency). This sequence change replaces valine with isoleucine at codon 223 of the RAD51C protein (p.Val223Ile). The valine residue is moderately conserved and there is a small physicochemical difference between valine and isoleucine.